The following is an entry in ClinVar:

ClinVar aggregate classification (germline): Uncertain significance (1 of 4 stars; one submission).

Allele frequency attached by ClinVar (database versions not stated): gnomAD exomes below 0.00001.

Submission:

Labcorp Genetics (formerly Invitae), Labcorp
Classification: Uncertain significance. Last evaluated: 2024-10-07. Review status: criteria provided, single submitter. Criteria: Invitae Variant Classification Sherloc (09022015). Collection method: clinical testing. Allele origin: germline.
Comment: This sequence change replaces serine, which is neutral and polar, with cysteine, which is neutral and slightly polar, at codon 443 of the IRF4 protein (p.Ser443Cys). This variant is not present in population databases (gnomAD no frequency). This variant has not been reported in the literature in individuals affected with IRF4-related conditions. ClinVar contains an entry for this variant (Variation ID: 2009205). An algorithm developed to predict the effect of missense changes on protein structure and function (PolyPhen-2) suggests that this variant is likely to be tolerated. Algorithms developed to predict the effect of sequence changes on RNA splicing suggest that this variant may create or strengthen a splice site. In summary, the available evidence is currently insufficient to determine the role of this variant in disease. Therefore, it has been classified as a Variant of Uncertain Significance.

NM_002460.4(IRF4):c.1328C>G (p.Ser443Cys)

Gene: IRF4 (interferon regulatory factor 4; plus strand). Cytogenetic location: 6p25.3.
Variant type: single nucleotide variant.
Coding change: c.1328C>G on transcript NM_002460.4 (MANE Select); coding-DNA position 1328, C replaced by G.
Protein change: p.Ser443Cys; replaces serine 443 with cysteine.
Molecular consequence: missense variant. On other transcripts: non-coding transcript variant (1).
Genome position (GRCh38, 1-based): chr6:407,570, C>G. VCF-style: chr6-407570-C-G. GRCh37 (hg19) VCF-style: chr6-407570-C-G.
Other names: c.1325C>G, p.Ser442Cys (NM_001195286.2); short protein forms S443C, S442C.
Identifiers: ClinVar variation 2009205 (VCV002009205.4), dbSNP rs1322275605, ClinGen allele CA362551176.